The following is an entry in ClinVar:

NM_017763.6(RNF43):c.462G>A (p.Pro154=)

Gene: RNF43 (ring finger protein 43; minus strand). Cytogenetic location: 17q22.
Variant type: single nucleotide variant.
Coding change: c.462G>A on transcript NM_017763.6 (MANE Select); coding-DNA position 462, G replaced by A.
Protein change: p.Pro154=; no amino-acid change (proline 154 retained).
Molecular consequence: synonymous variant.
Genome position (GRCh38, 1-based): chr17:58,363,395, C>T on the plus strand (G>A on the coding strand, the complement: RNF43 is on the minus strand). VCF-style: chr17-58363395-C-T. GRCh37 (hg19) VCF-style: chr17-56440756-C-T.
Other names: c.462G>A, p.Pro154= (NM_001305544.3); c.81G>A, p.Pro27= (NM_001305545.2).
Identifiers: ClinVar variation 1085885 (VCV001085885.11), dbSNP rs144994226, ClinGen allele CA8673405.
Genomic context (GRCh38, chr17:58,363,395, plus strand): 5'-CTCCATCAGCTTCTCAGCGTCATTACCCCAGATCAACACCACTGGCCAGGTCAGCCCCAG[C>T]GGCTGCTGCAGCTACAGGGGGAAAGTGCCCACAGGGCTGCTGTGACTTCTCCCTGCCCTT-3'
Protein context (NP_060233.3, residues 144-164): DRAAAEQLQQ[Pro154=]LGLTWPVVLI

ClinVar aggregate classification (germline): Benign/Likely benign. Review status: criteria provided, multiple submitters, no conflicts (2 of 4 stars). 3 submissions from 3 submitters: Benign (1); Likely benign (2). Last evaluated 2026-06-30.

Conditions:
Sessile serrated polyposis cancer syndrome (SSPCS). Identifiers: Orphanet 157798, MedGen C4310714, MONDO:0014919, OMIM 617108.

Allele frequency attached by ClinVar (database versions not stated): 1000 Genomes Project 30x 0.00016; gnomAD exomes 0.00002 and 0.00007; 1000 Genomes Project 0.00020; ESP Exome Variant Server 0.00046; gnomAD 0.00014; ExAC 0.00005; TOPMed 0.00016.
gnomAD v4.1: 51 of 1,614,164 alleles (0.0032%); highest among the groups gnomAD compares: African/African-American, 0.049%; no homozygotes.

Submissions (3):

Myriad Genetics, Inc.
Classification: Benign for Sessile serrated polyposis cancer syndrome. Last evaluated: 2026-06-30. Review status: criteria provided, single submitter. Criteria: Myriad Autosomal Dominant, Autosomal Recessive and X-Linked Classification Criteria (2023). Collection method: clinical testing. Allele origin: unknown.
Comment: This variant is considered benign. This variant is a silent/synonymous amino acid change and it is not expected to impact splicing.

Labcorp Genetics (formerly Invitae), Labcorp
Classification: Likely benign. Last evaluated: 2025-06-11. Review status: criteria provided, single submitter. Criteria: Invitae Variant Classification Sherloc (09022015). Collection method: clinical testing. Allele origin: germline.

Ambry Genetics
Classification: Likely benign. Last evaluated: 2024-10-04. Review status: criteria provided, single submitter. Criteria: Ambry Variant Classification Scheme 2023. Collection method: clinical testing. Allele origin: germline.